The following is an entry in ClinVar:

ClinVar aggregate classification (germline): Uncertain significance (1 of 4 stars; one submission).

Conditions:
Alagille syndrome due to a NOTCH2 point mutation. Also called: Alagille syndrome 2. Identifiers: Orphanet 261629, Orphanet 52, MedGen C1857761, MONDO:0012439, OMIM 610205.

Allele frequency attached by ClinVar (database versions not stated): gnomAD exomes below 0.00001.
gnomAD v4.1: 2 of 1,614,184 alleles (0.00012%); highest among the groups gnomAD compares: Non-Finnish European, 0.00017%; no homozygotes.

Submission:

MGZ Medical Genetics Center
Classification: Uncertain significance for Alagille syndrome due to a NOTCH2 point mutation. Last evaluated: 2022-04-20. Review status: criteria provided, single submitter. Criteria: ACMG Guidelines, 2015. Collection method: clinical testing. Allele origin: germline. Affected: yes. Observed: 1 variant allele.
Comment: ACMG criteria applied: PM2_SUP, PP2

NM_024408.4(NOTCH2):c.3301C>T (p.Pro1101Ser)

Gene: NOTCH2 (notch receptor 2; minus strand). Cytogenetic location: 1p12.
Variant type: single nucleotide variant.
Coding change: c.3301C>T on transcript NM_024408.4 (MANE Select); coding-DNA position 3301, C replaced by T.
Protein change: p.Pro1101Ser; replaces proline 1101 with serine.
Molecular consequence: missense variant.
Genome position (GRCh38, 1-based): chr1:119,937,893, G>A on the plus strand (C>T on the coding strand, the complement: NOTCH2 is on the minus strand). VCF-style: chr1-119937893-G-A. GRCh37 (hg19) VCF-style: chr1-120480516-G-A.
Other names: c.3301C>T, p.Pro1101Ser (NM_001200001.2); short protein forms P1101S.
Identifiers: ClinVar variation 1709409 (VCV001709409.2), dbSNP rs1401457961, ClinGen allele CA341852637.
Genomic context (GRCh38, chr1:119,937,893, plus strand): 5'-TGAGCCCAAGGGAGCAAAGCTTACCTCTCCTGGAGGCTGCTATGTCACAAGAGACATTGG[G>A]CACGTCACAATAGGCACCAGCCCATCCAGATGGACATAGGCACTGGGACTCTGCTTTTTT-3'
Protein context (NP_077719.2, residues 1091-1111): SGWAGAYCDV[Pro1101Ser]NVSCDIAASR